The following is an entry in ClinVar:

ClinVar aggregate classification (germline): Uncertain significance (1 of 4 stars; one submission).

Conditions:
Granulomatous disease, chronic, autosomal recessive, 5. Also called: GRANULOMATOUS DISEASE, CHRONIC, DUE TO CYBC1 DEFICIENCY. Identifiers: MedGen C5394542, MONDO:0030066, OMIM 618935.

gnomAD v4.1: 1 of 1,611,362 alleles (0.000062%); highest among the groups gnomAD compares: African/African-American, 0.0013%; no homozygotes.

Submission:

Laboratorio de Genetica e Diagnostico Molecular, Hospital Israelita Albert Einstein
Classification: Uncertain significance for Granulomatous disease, chronic, autosomal recessive, 5. Last evaluated: 2026-03-24. Review status: criteria provided, single submitter. Criteria: ACMG Guidelines, 2015. Collection method: clinical testing. Allele origin: germline. Affected: yes.
Comment: ACMG classification criteria: PM2 supporting

NM_001033046.4(CYBC1):c.454G>A (p.Ala152Thr)

Gene: CYBC1 (cytochrome b-245 chaperone 1; minus strand). Cytogenetic location: 17q25.3.
Variant type: single nucleotide variant.
Coding change: c.454G>A on transcript NM_001033046.4 (MANE Select); coding-DNA position 454, G replaced by A.
Protein change: p.Ala152Thr; replaces alanine 152 with threonine.
Molecular consequence: missense variant. On other transcripts: non-coding transcript variant (4).
Genome position (GRCh38, 1-based): chr17:82,444,114, C>T on the plus strand (G>A on the coding strand, the complement: CYBC1 is on the minus strand). VCF-style: chr17-82444114-C-T. GRCh37 (hg19) VCF-style: chr17-80401990-C-T.
Other names: c.454G>A, p.Ala152Thr (NM_001100407.3, NM_001193653.2, NM_001193654.2 and 2 more transcripts); c.412G>A, p.Ala138Thr (NM_001100408.3); short protein forms A138T, A152T.
Identifiers: ClinVar variation 4847006 (VCV004847006.1).
Genomic context (GRCh38, chr17:82,444,114, plus strand): 5'-GCTCTGTGGGGCTCTCAAGGCAGTGCAGCTCCAGGAAGCTGGTGATGAGCTTGGCGATGG[C>T]TTCCACATCACTGGGCGAGGCCGGCAACGGGAGGAAGGTCAGGTCACCTCGGCATAGGGC-3'
Protein context (NP_001028218.1, residues 142-162): AVMGHRSDVE[Ala152Thr]IAKLITSFLE